The following is an entry in ClinVar:

NM_000169.3(GLA):c.932T>C (p.Leu311Pro)

Genes: GLA (galactosidase alpha; minus strand), RPL36A-HNRNPH2 (RPL36A-HNRNPH2 readthrough; plus strand). Cytogenetic location: Xq22.1.
Variant type: single nucleotide variant.
Coding change: c.932T>C on transcript NM_000169.3 (MANE Select); coding-DNA position 932, T replaced by C.
Protein change: p.Leu311Pro; replaces leucine 311 with proline.
Molecular consequence: missense variant. On other transcripts: non-coding transcript variant (3), intron variant (2).
Genome position (GRCh38, 1-based): chrX:101,398,437, A>G on the plus strand (T>C on the coding strand, the complement: GLA is on the minus strand). VCF-style: chrX-101398437-A-G. GRCh37 (hg19) VCF-style: chrX-100653425-A-G.
Other names: c.1055T>C, p.Leu352Pro (NM_001406747.1); c.932T>C, p.Leu311Pro (NM_001406748.1); c.300+2980A>G (NM_001199973.2); c.177+6615A>G (NM_001199974.2); short protein forms L311P, L352P.
Identifiers: ClinVar variation 4087587 (VCV004087587.2).

ClinVar aggregate classification (germline): Likely pathogenic (1 of 4 stars; one submission).

Conditions:
Fabry disease. Also called: ALPHA-GALACTOSIDASE A DEFICIENCY; ANDERSON-FABRY DISEASE; CERAMIDE TRIHEXOSIDASE DEFICIENCY; GLA DEFICIENCY; HEREDITARY DYSTOPIC LIPIDOSIS; Angiokeratoma corporis diffusum. Identifiers: Orphanet 324, MedGen C0002986, MONDO:0010526, OMIM 301500, HP:0001071. Disease mechanism: Fabry disease is due to inactivating mutations in the X-linked GLA gene resulting in deficiency of the enzyme Alpha Galactosidase-A., loss of function.

Submission:

Genomenon, Inc
Classification: Likely pathogenic for Fabry disease. Last evaluated: 2026-09-08. Review status: criteria provided, single submitter. Criteria: Genomenon Sequence Variant Interpretation Standards - Updated. Collection method: curation. Allele origin: germline. Affected: yes.
Comment: GLA p.Leu311Pro (c.932T>C) is a missense variant that changes the amino acid at codon 311 from Leucine to Proline. This variant has been observed in at least one proband with clinical features consistent with Fabry disease (PMID:29631605;38374995). At least one functional study has demonstrated a substantial alteration in protein function relative to the wild-type (PMID:27657681). It is absent or not present at a significant frequency in gnomAD. In silico models predict that this variant is possibly or probably damaging. In conclusion, we classify GLA p.Leu311Pro (c.932T>C) as a likely pathogenic variant.

Literature cited by the submitters: PubMed 29631605; PubMed 38374995; PubMed 27657681.